The following is an entry in ClinVar:

ClinVar aggregate classification (germline): Conflicting classifications of pathogenicity. Review status: criteria provided, conflicting classifications (1 of 4 stars). 13 submissions from 13 submitters: Uncertain significance (6); Benign (1); Likely benign (1). 5 of the submissions do not count toward it. Last evaluated 2026-06-25.

Conditions:
Retinal dystrophy. Also called: Inherited retinal dystrophy. Identifiers: Orphanet 71862, MedGen C0854723, MeSH D058499, MONDO:0019118, HP:0000556.
Alstrom syndrome (ALMS). Identifiers: Orphanet 64, MedGen C0268425, MONDO:0008763, OMIM 203800.
Cardiovascular phenotype. Identifiers: MedGen CN230736.

Allele frequency attached by ClinVar (database versions not stated): gnomAD exomes 0.00029 and 0.00038; ESP Exome Variant Server 0.00031; ExAC 0.00036; gnomAD 0.00038 and 0.00040; TOPMed 0.00045.
gnomAD v4.1: 625 of 1,614,024 alleles (0.039%); highest among the groups gnomAD compares: Middle Eastern, 0.082%; no homozygotes.

Submissions (13):

GeneDx
Classification: Uncertain significance. Last evaluated: 2026-06-25. Review status: criteria provided, single submitter. Criteria: GeneDx Variant Classification Process June 2021. Collection method: clinical testing. Allele origin: germline.
Comment: In silico analysis supports that this missense variant has a deleterious effect on protein structure/function; This variant is associated with the following publications: (PMID: 40369053)

Labcorp Genetics (formerly Invitae), Labcorp
Classification: Benign for Alstrom syndrome. Last evaluated: 2026-01-31. Review status: criteria provided, single submitter. Criteria: Invitae Variant Classification Sherloc (09022015). Collection method: clinical testing. Allele origin: germline.

CeGaT Center for Human Genetics Tuebingen
Classification: Uncertain significance. Last evaluated: 2025-07-01. Review status: criteria provided, single submitter. Criteria: CeGaT Center For Human Genetics Tuebingen Variant Classification Criteria Version 2. Collection method: clinical testing. Allele origin: germline. Affected: yes. Observed: 2 variant alleles.
Comment: ALMS1: PM2, BP4

Blueprint Genetics
Classification: Uncertain significance. Last evaluated: 2024-11-23. Review status: criteria provided, single submitter. Criteria: ACMG Guidelines, 2015. Collection method: clinical testing. Allele origin: germline.

Women's Health and Genetics/Laboratory Corporation of America, LabCorp
Classification: Uncertain significance. Last evaluated: 2024-09-10. Review status: criteria provided, single submitter. Criteria: LabCorp Variant Classification Summary - May 2015. Collection method: clinical testing. Allele origin: germline.
Comment: Variant summary: ALMS1 c.12001C>T (p.Arg4001Trp) results in a non-conservative amino acid change in the encoded protein sequence. Three of four in-silico tools predict a damaging effect of the variant on protein function. The variant allele was found at a frequency of 0.00029 in 250210 control chromosomes, predominantly at a frequency of 0.00053 within the Non-Finnish European subpopulation in the gnomAD database. This frequency is not significantly higher than estimated for a pathogenic variant in ALMS1 causing Alstrom Syndrome (0.00029 vs 0.0014), allowing no conclusion about variant significance. c.12001C>T has been reported in the literature in individuals affected with inherited retinal disease (e.g., Sharon_2020, Fadaie_2021) and obesity (e.g., Melendez-Montanez_2024), however without strong evidence for causality. These report(s) do not provide unequivocal conclusions about association of the variant with Alstrom Syndrome. To our knowledge, no experimental evidence demonstrating an impact on protein function has been reported. The following publications have been ascertained in the context of this evaluation (PMID: 34795310, 38674329, 31456290). ClinVar contains an entry for this variant (Variation ID: 391899). Based on the evidence outlined above, the variant was classified as uncertain significance.

Ambry Genetics
Classification: Likely benign for Cardiovascular phenotype. Last evaluated: 2021-08-04. Review status: criteria provided, single submitter. Criteria: Ambry Variant Classification Scheme 2023. Collection method: clinical testing. Allele origin: germline.

Baylor Genetics
Classification: Uncertain significance for Alstrom syndrome. Last evaluated: 2019-03-07. Review status: criteria provided, single submitter. Criteria: ACMG Guidelines, 2015. Collection method: clinical testing. Allele origin: maternal. Affected: yes.
Comment: This variant was determined to be of uncertain significance according to ACMG Guidelines, 2015 [PMID:25741868].

Fulgent Genetics
Classification: Uncertain significance for Alstrom syndrome. Last evaluated: 2018-10-31. Review status: criteria provided, single submitter. Criteria: ACMG Guidelines, 2015. Collection method: clinical testing. Allele origin: unknown.

Institute of Human Genetics, Univ. Regensburg, Univ. Regensburg
Classification: Uncertain significance for Retinal dystrophy. Last evaluated: 2022-01-01. Review status: no assertion criteria provided. Criteria: ACMG Guidelines, 2015. Collection method: clinical testing. Allele origin: germline. Affected: yes. Not counted in ClinVar's aggregate classification.

Sharon lab, Hadassah-Hebrew University Medical Center
Classification: Likely pathogenic for Alstrom Syndrome. Last evaluated: 2019-06-23. Review status: no assertion criteria provided. Collection method: research. Allele origin: inherited. Affected: yes. Not counted in ClinVar's aggregate classification.

Clinical Genetics DNA and cytogenetics Diagnostics Lab, Erasmus MC, Erasmus Medical Center
Classification: Uncertain significance. Review status: no assertion criteria provided. Collection method: clinical testing. Allele origin: germline. Affected: yes. Study: VKGL Data-share Consensus. Not counted in ClinVar's aggregate classification.

Clinical Genetics, Academic Medical Center
Classification: Uncertain significance. Review status: no assertion criteria provided. Collection method: clinical testing. Allele origin: germline. Affected: yes. Study: VKGL Data-share Consensus. Not counted in ClinVar's aggregate classification.

Laboratory of Diagnostic Genome Analysis, Leiden University Medical Center (LUMC)
Classification: Uncertain significance. Review status: no assertion criteria provided. Collection method: clinical testing. Allele origin: germline. Affected: yes. Study: VKGL Data-share Consensus. Not counted in ClinVar's aggregate classification.

Literature cited by the submitters: PubMed 31456290 (cited by Women's Health and Genetics/Laboratory Corporation of America, LabCorp); PubMed 34795310 (cited by Women's Health and Genetics/Laboratory Corporation of America, LabCorp); PubMed 38674329 (cited by Women's Health and Genetics/Laboratory Corporation of America, LabCorp).

NM_001378454.1(ALMS1):c.12004C>T (p.Arg4002Trp)

Genes: ALMS1 (ALMS1 centrosome and basal body associated protein; plus strand), LOC126806252 (BRD4-independent group 4 enhancer GRCh37_chr2:73828496-73829695; plus strand). Cytogenetic location: 2p13.1.
Variant type: single nucleotide variant.
Coding change: c.12004C>T on transcript NM_001378454.1 (MANE Select); coding-DNA position 12004, C replaced by T.
Protein change: p.Arg4002Trp; replaces arginine 4002 with tryptophan.
Molecular consequence: missense variant.
Genome position (GRCh38, 1-based): chr2:73,601,326, C>T. VCF-style: chr2-73601326-C-T. GRCh37 (hg19) VCF-style: chr2-73828453-C-T.
Other names: c.12007C>T, p.Arg4003Trp (NM_015120.4); short protein forms R4003W, R4002W.
Identifiers: ClinVar variation 391899 (VCV000391899.44), dbSNP rs200897773, ClinGen allele CA1715400.
Genomic context (GRCh38, chr2:73,601,326, plus strand): 5'-GGCCCTGGCATCTCCTGGTTTGAACCAATAACCAAGACCAGACCCTGGAGGGAGCCACTG[C>T]GGGAGCAGAACTGTCAGGGGCAGCACCTGGACGGTCGGGGCTACCTGGCAGGCCCAGGCA-3'
Protein context (NP_001365383.1, residues 3992-4012): TKTRPWREPL[Arg4002Trp]EQNCQGQHLD